The following is an entry in ClinVar:

NM_130839.5(UBE3A):c.2567_2568del (p.Lys856fs)

Genes: SNHG14 (small nucleolar RNA host gene 14; plus strand), UBE3A (ubiquitin protein ligase E3A; minus strand). Cytogenetic location: 15q11.2.
Variant type: Deletion.
Coding change: c.2567_2568del on transcript NM_130839.5 (MANE Select); coding-DNA positions 2567 to 2568, 2 bases deleted (AA; older notation c.2567_2568delAA).
Protein change: p.Lys856fs; shifts the reading frame from lysine 856.
Molecular consequence: frameshift variant. On other transcripts: non-coding transcript variant (1).
Genome position (GRCh38, 1-based): chr15:25,339,188-25,339,189, TT deleted on the plus strand (AA on the coding strand, the reverse complement: UBE3A is on the minus strand); deleting any 2 consecutive bases within chr15:25,339,188-25,339,190 gives the same sequence; the c. name uses the placement nearest the transcript's 3' end. VCF-style (leftmost placement, unchanged base first): chr15-25339187-CTT-C. GRCh37 (hg19) VCF-style: chr15-25584334-CTT-C.
Other names: c.2576_2577del, p.Lys859fs (NM_000462.5); c.2567_2568del, p.Lys856fs (NM_001354505.1, NM_001354538.2); c.2507_2508del, p.Lys836fs (NM_001354506.2, NM_001354507.2, NM_001354508.2 and 14 more transcripts); c.2411_2412del, p.Lys804fs (NM_001354545.2); c.2390_2391del, p.Lys797fs (NM_001354546.2); c.2351_2352del, p.Lys784fs (NM_001354547.2, NM_001354548.2); c.2342_2343del, p.Lys781fs (NM_001354549.2); c.1316_1317del, p.Lys439fs (NM_001354550.2); and 1 more; short protein forms K439fs, K797fs, K784fs, K804fs, K836fs, K856fs, K419fs, K781fs.
Identifiers: ClinVar variation 155984 (VCV000155984.21), dbSNP rs587781231, ClinGen allele CA333365.

ClinVar aggregate classification (germline): Pathogenic/Likely pathogenic. Review status: criteria provided, multiple submitters, no conflicts (2 of 4 stars). 9 submissions from 9 submitters: Pathogenic (6); Likely pathogenic (1). 2 of the submissions do not count toward it. Last evaluated 2026-08-06.

Conditions:
UBE3A-related disorder. Also called: UBE3A-related condition.
Angelman syndrome (AS). Also called: HAPPY PUPPET SYNDROME. Identifiers: Orphanet 72, MedGen C0162635, MONDO:0007113, OMIM 105830. Disease mechanism: loss of function. Inheritance: AS is caused by disruption of maternally imprinted UBE3A located within the 15q11.2-q13 Angelman syndrome/Prader-Willi syndrome (AS/PWS) region., imprinting disorder.

Submissions (9):

OLLIN Analises Genomicas, OLLIN
Classification: Pathogenic for Angelman syndrome. Last evaluated: 2026-08-06. Review status: criteria provided, single submitter. Criteria: ACMG Guidelines 2015 PMID 25741868. Collection method: clinical testing. Allele origin: de novo. Inheritance: Autosomal dominant inheritance.
Comment: This frameshift variant, located in exon 13 (of 13), is absent from gnomAD but has been reported in ClinVar (accession VCV000155984.19) and in the scientific literature, also being identified de novo, in individuals with UBE3A related disorders (PMID: 25212744). This variant causes a frameshift and introduces a premature stop codon, which is predicted to result in either a truncated protein or degradation of the mRNA via nonsense-mediated decay (NMD). According to the currently available evidence, this variant has been classified as pathogenic (PVS1, PS2, PS4, PM2_P, PP4).

Variantyx, Inc.
Classification: Pathogenic for Angelman syndrome. Last evaluated: 2025-07-30. Review status: criteria provided, single submitter. Criteria: Variantyx Assertion Criteria 2022. Collection method: clinical testing. Allele origin: de novo. Inheritance: Autosomal dominant inheritance. Affected: yes.
Comment: This is a frameshift variant in the UBE3A gene (OMIM: 601623). Pathogenic variants in this gene have been associated with autosomal dominant Angelman syndrome. This variant introduces a premature termination codon in exon 13 out of 13. While this is not expected to result in loss of function, which is a known disease mechanism for UBE3A in this disorder (PMID: 25212744), it is expected to disrupt the last 17 amino acids of the UBE3A protein (PVS1). Other frameshift variants in this region have been observed in affected individuals (PMID: 26585570). This variant has been reported in at least two affected individual(s(PMID: 25212744, 36011358), while it is absent from control populations (PM2). Based on the current evidence, this variant is classified as pathogenic for autosomal dominant Angelman syndrome.

3billion
Classification: Pathogenic for Angelman syndrome. Last evaluated: 2025-07-14. Review status: criteria provided, single submitter. Criteria: ACMG Guidelines, 2015. Collection method: clinical testing. Allele origin: germline. Affected: yes.
Comment: The variant is not observed in the gnomAD v4.1.0 dataset. Predicted Consequence/Location: Frameshift: predicted to result in a loss or disruption of normal protein function through protein truncation. Multiple pathogenic variants are reported in the predicted truncated region and a dominant negative effect has been reported near truncated region. The variant has been reported at least twice as pathogenic with clinical assertions and evidence for the classification (ClinVar ID: VCV000155984 /PMID: 25212744). Therefore, this variant is classified as Pathogenic according to the recommendation of ACMG/AMP guideline.

Blueprint Genetics
Classification: Pathogenic for UBE3A-related disorders. Last evaluated: 2023-08-17. Review status: criteria provided, single submitter. Criteria: ACMG Guidelines, 2015. Collection method: clinical testing. Allele origin: de novo. Affected: yes. Observed: 2 variant alleles.

Institute of Human Genetics, University of Leipzig Medical Center
Classification: Pathogenic for Angelman syndrome. Last evaluated: 2022-08-11. Review status: criteria provided, single submitter. Criteria: ACMG Guidelines, 2015. Collection method: clinical testing. Allele origin: de novo. Inheritance: Autosomal dominant inheritance. Affected: yes.
Comment: Criteria applied: PVS1_STR,PS2,PS4,PM2_SUP,PP4

Labcorp Genetics (formerly Invitae), Labcorp
Classification: Pathogenic for Angelman syndrome. Last evaluated: 2022-04-08. Review status: criteria provided, single submitter. Criteria: Invitae Variant Classification Sherloc (09022015). Collection method: clinical testing. Allele origin: germline.
Comment: Experimental studies and prediction algorithms are not available or were not evaluated, and the functional significance of this variant is currently unknown. For these reasons, this variant has been classified as Pathogenic. This variant disrupts a region of the UBE3A protein in which other variant(s) (p.Glu837Argfs*4) have been determined to be pathogenic (PMID: 11748306, 20034088). This suggests that this is a clinically significant region of the protein, and that variants that disrupt it are likely to be disease-causing. ClinVar contains an entry for this variant (Variation ID: 155984). This premature translational stop signal has been observed in individual(s) with clinical features of Angelman syndrome (PMID: 25212744; Invitae). This variant is not present in population databases (gnomAD no frequency). This sequence change creates a premature translational stop signal (p.Lys836Argfs*24) in the UBE3A gene. While this is not anticipated to result in nonsense mediated decay, it is expected to disrupt the last 17 amino acid(s) of the UBE3A protein.

GeneDx
Classification: Likely pathogenic. Last evaluated: 2020-04-07. Review status: criteria provided, single submitter. Criteria: GeneDx Variant Classification Process June 2021. Collection method: clinical testing. Allele origin: germline. Affected: yes.
Comment: Identified in two individuals with clinical suspicion for Angelman syndrome in published literature (Sadikovic et al., 2014), but additional clinical information and familial segregation information was not provided; Reported previously in the heterozygous state in a patient with a Rett-like phenotype (Iwama et al., 2019); Frameshift variant predicted to result in protein extension, as the last 17 amino acids are replaced with 23 different amino acids; Not observed in large population cohorts (Lek et al., 2016); This variant is associated with the following publications: (PMID: 25212744, 30842224)

Biochemical Molecular Genetic Laboratory, King Abdulaziz Medical City
Classification: Pathogenic for Angelman syndrome. Last evaluated: 2020-06-07. Review status: no assertion criteria provided. Collection method: clinical testing. Allele origin: germline. Affected: yes. Not counted in ClinVar's aggregate classification.

Baylor Genetics
Classification: Pathogenic for Angelman Syndrome. Last evaluated: 2014-02-14. Review status: no assertion criteria provided. Collection method: clinical testing. Allele origin: germline. Affected: yes. Observed: 2 variant alleles. Study: UBE3A Mutation Study. Not counted in ClinVar's aggregate classification.
Comment: Data collected from clinical UBE3A sequence analysis results

Literature cited by the submitters: PubMed 25212744 (cited by 5 submitters); PubMed 36011358 (cited by Variantyx, Inc.); PubMed 11748306 (cited by Labcorp Genetics (formerly Invitae), Labcorp); PubMed 20034088 (cited by Labcorp Genetics (formerly Invitae), Labcorp).